The following is an entry in ClinVar:

ClinVar aggregate classification (germline): Uncertain significance (1 of 4 stars; one submission).

Submission:

Labcorp Genetics (formerly Invitae), Labcorp
Classification: Uncertain significance. Last evaluated: 2024-04-25. Review status: criteria provided, single submitter. Criteria: Invitae Variant Classification Sherloc (09022015). Collection method: clinical testing. Allele origin: germline.
Comment: This sequence change replaces leucine, which is neutral and non-polar, with phenylalanine, which is neutral and non-polar, at codon 1164 of the MYH3 protein (p.Leu1164Phe). This variant is not present in population databases (gnomAD no frequency). This variant has not been reported in the literature in individuals affected with MYH3-related conditions. ClinVar contains an entry for this variant (Variation ID: 2116845). Advanced modeling of protein sequence and biophysical properties (such as structural, functional, and spatial information, amino acid conservation, physicochemical variation, residue mobility, and thermodynamic stability) performed at Invitae indicates that this missense variant is not expected to disrupt MYH3 protein function with a negative predictive value of 95%. In summary, the available evidence is currently insufficient to determine the role of this variant in disease. Therefore, it has been classified as a Variant of Uncertain Significance.

NM_002470.4(MYH3):c.3490C>T (p.Leu1164Phe)

Gene: MYH3 (myosin heavy chain 3; minus strand). Cytogenetic location: 17p13.1.
Variant type: single nucleotide variant.
Coding change: c.3490C>T on transcript NM_002470.4 (MANE Select); coding-DNA position 3490, C replaced by T.
Protein change: p.Leu1164Phe; replaces leucine 1164 with phenylalanine.
Molecular consequence: missense variant.
Genome position (GRCh38, 1-based): chr17:10,638,282, G>A on the plus strand (C>T on the coding strand, the complement: MYH3 is on the minus strand). VCF-style: chr17-10638282-G-A. GRCh37 (hg19) VCF-style: chr17-10541599-G-A.
Other names: short protein forms L1164F.
Identifiers: ClinVar variation 2116845 (VCV002116845.4), dbSNP rs2508593280, ClinGen allele CA398151762.